The following is an entry in ClinVar:

NM_020800.3(IFT80):c.825T>G (p.Ile275Met)

Genes: TRIM59-IFT80 (TRIM59-IFT80 readthrough (NMD candidate); minus strand), IFT80 (intraflagellar transport 80; minus strand). Cytogenetic location: 3q25.33.
Variant type: single nucleotide variant.
Coding change: c.825T>G on transcript NM_020800.3 (MANE Select); coding-DNA position 825, T replaced by G.
Protein change: p.Ile275Met; replaces isoleucine 275 with methionine.
Molecular consequence: missense variant. On other transcripts: non-coding transcript variant (3).
Genome position (GRCh38, 1-based): chr3:160,319,892, A>C on the plus strand (T>G on the coding strand, the complement: IFT80 is on the minus strand). VCF-style: chr3-160319892-A-C. GRCh37 (hg19) VCF-style: chr3-160037680-A-C.
Other names: c.414T>G, p.Ile138Met (NM_001190241.2, NM_001190242.2); short protein forms I138M, I275M.
Identifiers: ClinVar variation 2103032 (VCV002103032.4), dbSNP rs2473266424, ClinGen allele CA355195614.

ClinVar aggregate classification (germline): Uncertain significance (1 of 4 stars; one submission).

Conditions:
Jeune thoracic dystrophy. Also called: Jeune syndrome; Infantile thoracic dystrophy; Thoracic pelvic phalangeal dystrophy; Jeune's syndrome; Chondroectodermal dysplasia-like syndrome; Short-rib thoracic dysplasia. Identifiers: Orphanet 474, MedGen C0265275, MONDO:0018770.

Submission:

Labcorp Genetics (formerly Invitae), Labcorp
Classification: Uncertain significance for Jeune thoracic dystrophy. Last evaluated: 2023-10-03. Review status: criteria provided, single submitter. Criteria: Invitae Variant Classification Sherloc (09022015). Collection method: clinical testing. Allele origin: germline.
Comment: This sequence change replaces isoleucine, which is neutral and non-polar, with methionine, which is neutral and non-polar, at codon 275 of the IFT80 protein (p.Ile275Met). This variant is not present in population databases (gnomAD no frequency). This variant has not been reported in the literature in individuals affected with IFT80-related conditions. ClinVar contains an entry for this variant (Variation ID: 2103032). Advanced modeling of protein sequence and biophysical properties (such as structural, functional, and spatial information, amino acid conservation, physicochemical variation, residue mobility, and thermodynamic stability) has been performed at Invitae for this missense variant, however the output from this modeling did not meet the statistical confidence thresholds required to predict the impact of this variant on IFT80 protein function. In summary, the available evidence is currently insufficient to determine the role of this variant in disease. Therefore, it has been classified as a Variant of Uncertain Significance.